The following is an entry in ClinVar:

ClinVar aggregate classification (germline): Uncertain significance (1 of 4 stars; one submission).

Submission:

Ambry Genetics
Classification: Uncertain significance. Last evaluated: 2025-07-28. Review status: criteria provided, single submitter. Criteria: Ambry Variant Classification Scheme 2023. Collection method: clinical testing. Allele origin: germline.
Comment: The p.S274G variant (also known as c.820A>G), located in coding exon 1 of the EGLN1 gene, results from an A to G substitution at nucleotide position 820. The serine at codon 274 is replaced by glycine, an amino acid with similar properties. This amino acid position is conserved. In addition, this alteration is predicted to be tolerated by in silico analysis. Based on the available evidence, the clinical significance of this variant remains unclear.

NM_022051.3(EGLN1):c.820A>G (p.Ser274Gly)

Genes: EGLN1 (egl-9 family hypoxia inducible factor 1; minus strand), LOC129932769 (ATAC-STARR-seq lymphoblastoid active region 2730; plus strand). Cytogenetic location: 1q42.2.
Variant type: single nucleotide variant.
Coding change: c.820A>G on transcript NM_022051.3 (MANE Select); coding-DNA position 820, A replaced by G.
Protein change: p.Ser274Gly; replaces serine 274 with glycine.
Molecular consequence: missense variant.
Genome position (GRCh38, 1-based): chr1:231,421,069, T>C on the plus strand (A>G on the coding strand, the complement: EGLN1 is on the minus strand). VCF-style: chr1-231421069-T-C. GRCh37 (hg19) VCF-style: chr1-231556815-T-C.
Other names: c.820A>G, p.Ser274Gly (NM_001377260.1, NM_001377261.1); short protein forms S274G.
Identifiers: ClinVar variation 4247380 (VCV004247380.1).